The following is an entry in ClinVar:

ClinVar aggregate classification (germline): Pathogenic (1 of 4 stars; one submission).

Submission:

Labcorp Genetics (formerly Invitae), Labcorp
Classification: Pathogenic. Last evaluated: 2022-04-14. Review status: criteria provided, single submitter. Criteria: Invitae Variant Classification Sherloc (09022015). Collection method: clinical testing. Allele origin: germline.
Comment: For these reasons, this variant has been classified as Pathogenic. ClinVar contains an entry for this variant (Variation ID: 1070978). This premature translational stop signal has been observed in individuals with Alport syndrome (PMID: 24052634). This variant is not present in population databases (gnomAD no frequency). This sequence change creates a premature translational stop signal (p.Ser969*) in the COL4A4 gene. It is expected to result in an absent or disrupted protein product. Loss-of-function variants in COL4A4 are known to be pathogenic (PMID: 21196518, 24854265, 25307543).

Literature cited by the submitters: PubMed 24052634; PubMed 21196518; PubMed 24854265; PubMed 25307543.

NM_000092.5(COL4A4):c.2906C>A (p.Ser969Ter)

Gene: COL4A4 (collagen type IV alpha 4 chain; minus strand). Cytogenetic location: 2q36.3.
Variant type: single nucleotide variant.
Coding change: c.2906C>A on transcript NM_000092.5 (MANE Select); coding-DNA position 2906, C replaced by A.
Protein change: p.Ser969Ter; replaces serine 969 with a stop codon.
Molecular consequence: nonsense.
Genome position (GRCh38, 1-based): chr2:227,052,367, G>T on the plus strand (C>A on the coding strand, the complement: COL4A4 is on the minus strand). VCF-style: chr2-227052367-G-T. GRCh37 (hg19) VCF-style: chr2-227917083-G-T.
Other names: short protein forms S969*.
Identifiers: ClinVar variation 1070978 (VCV001070978.9), dbSNP rs35138315, ClinGen allele CA350839448.